The following is an entry in ClinVar:

ClinVar aggregate classification (germline): Conflicting classifications of pathogenicity. Review status: criteria provided, conflicting classifications (1 of 4 stars). 15 submissions from 11 submitters: Uncertain significance (7); Benign (2); Likely benign (5). 1 of the submissions does not count toward it. Last evaluated 2026-01-12.

Conditions:
TTN-related disorder. Also called: TTN-related disorders; TTN-related condition; TTN-related disease.
Autosomal recessive limb-girdle muscular dystrophy type 2J (LGMDR10). Also called: Limb-girdle muscular dystrophy, type 2J; MUSCULAR DYSTROPHY, LIMB-GIRDLE, AUTOSOMAL RECESSIVE 10. Identifiers: Orphanet 140922, MedGen C1837342, MONDO:0012127, OMIM 608807.
Dilated cardiomyopathy 1G (CMD1G). Identifiers: Orphanet 154, MedGen C1858763, MONDO:0011400, OMIM 604145.
Hypertrophic cardiomyopathy 9. Also called: Familial hypertrophic cardiomyopathy 9. Identifiers: MedGen C1861065, MONDO:0013412, OMIM 613765.
Cardiomyopathy (CMYO). Also called: Cardiomyopathies. Identifiers: Orphanet 167848, MedGen C0878544, MONDO:0004994, HP:0001638. Inheritance: Various modes of inheritance.
Early-onset myopathy with fatal cardiomyopathy (CMYO5). Also called: Salih Myopathy; CONGENITAL MYOPATHY 5 WITH CARDIOMYOPATHY. Identifiers: Orphanet 289377, MedGen C2673677, MONDO:0012714, OMIM 611705. Disease mechanism: loss of function.
Myopathy, myofibrillar, 9, with early respiratory failure (MFM9). Also called: EDSTROM MYOPATHY; MYOPATHY, PROXIMAL, WITH EARLY RESPIRATORY MUSCLE INVOLVEMENT; Hereditary myopathy with early respiratory failure; Myopathy, distal, with early respiratory failure, autosomal dominant. Identifiers: Orphanet 178464, Orphanet 34521, MedGen C1863599, MONDO:0011362, OMIM 603689.
Tibial muscular dystrophy (TMD). Also called: Udd Distal Myopathy – Tibial Muscular Dystrophy; UDD MYOPATHY; Tibial muscular dystrophy, tardive. Identifiers: Orphanet 609, MedGen C1838244, MONDO:0010870, OMIM 600334.

Allele frequency attached by ClinVar (database versions not stated): ESP Exome Variant Server 0.00008; gnomAD exomes 0.00009 and 0.00021; gnomAD 0.00011; TOPMed 0.00012; ExAC 0.00015.
gnomAD v4.1: 147 of 1,612,946 alleles (0.0091%); highest among the groups gnomAD compares: Admixed American, 0.047%; no homozygotes.

Submissions (15):

Labcorp Genetics (formerly Invitae), Labcorp
Classification: Likely benign for Dilated cardiomyopathy 1G; Autosomal recessive limb-girdle muscular dystrophy type 2J. Last evaluated: 2026-01-12. Review status: criteria provided, single submitter. Criteria: Invitae Variant Classification Sherloc (09022015). Collection method: clinical testing. Allele origin: germline.

Revvity Omics, Revvity
Classification: Uncertain significance. Last evaluated: 2024-07-11. Review status: criteria provided, single submitter. Criteria: ACMG Guidelines, 2015. Collection method: clinical testing. Allele origin: germline.

New York Genome Center
Classification: Uncertain significance for Hypertrophic cardiomyopathy 9; Dilated cardiomyopathy 1G. Last evaluated: 2023-07-31. Review status: criteria provided, single submitter. Criteria: NYGC Assertion Criteria 2020. Collection method: clinical testing. Allele origin: germline. Observed: 1 heterozygote.

CHEO Genetics Diagnostic Laboratory, Children's Hospital of Eastern Ontario
Classification: Benign for Cardiomyopathy. Last evaluated: 2023-05-16. Review status: criteria provided, single submitter. Criteria: ACMG Guidelines, 2015. Collection method: clinical testing. Allele origin: germline.

Athena Diagnostics
Classification: Benign. Last evaluated: 2022-02-16. Review status: criteria provided, single submitter. Criteria: Athena Diagnostics Criteria. Collection method: clinical testing. Allele origin: unknown.

GeneDx
Classification: Likely benign. Last evaluated: 2020-09-04. Review status: criteria provided, single submitter. Criteria: GeneDx Variant Classification Process June 2021. Collection method: clinical testing. Allele origin: germline. Affected: yes.
Comment: This variant is associated with the following publications: (PMID: 24503780)

Blueprint Genetics
Classification: Likely benign. Last evaluated: 2019-01-03. Review status: criteria provided, single submitter. Criteria: ACMG Guidelines, 2015. Collection method: clinical testing. Allele origin: germline.

Illumina Laboratory Services, Illumina
Classification: Uncertain significance for Dilated cardiomyopathy 1G. Last evaluated: 2018-01-13. Review status: criteria provided, single submitter. Criteria: ICSL Variant Classification Criteria 13 December 2019. Collection method: clinical testing. Allele origin: germline.

Illumina Laboratory Services, Illumina
Classification: Uncertain significance for Early-onset myopathy with fatal cardiomyopathy. Last evaluated: 2018-01-13. Review status: criteria provided, single submitter. Criteria: ICSL Variant Classification Criteria 13 December 2019. Collection method: clinical testing. Allele origin: germline.

Illumina Laboratory Services, Illumina
Classification: Likely benign for Myopathy, myofibrillar, 9, with early respiratory failure. Last evaluated: 2018-01-13. Review status: criteria provided, single submitter. Criteria: ICSL Variant Classification Criteria 13 December 2019. Collection method: clinical testing. Allele origin: germline.
Comment: This variant was observed in the ICSL laboratory as part of a predisposition screen in an ostensibly healthy population. It had not been previously curated by ICSL or reported in the Human Gene Mutation Database (HGMD: prior to June 1st, 2018), and was therefore a candidate for classification through an automated scoring system. Utilizing variant allele frequency, disease prevalence and penetrance estimates, and inheritance mode, an automated score was calculated to assess if this variant is too frequent to cause the disease. Based on the score and internal cut-off values, a variant classified as likely benign is not then subjected to further curation. The score for this variant resulted in a classification of likely benign for this disease.

Illumina Laboratory Services, Illumina
Classification: Uncertain significance for Autosomal recessive limb-girdle muscular dystrophy type 2J. Last evaluated: 2018-01-13. Review status: criteria provided, single submitter. Criteria: ICSL Variant Classification Criteria 13 December 2019. Collection method: clinical testing. Allele origin: germline.

Illumina Laboratory Services, Illumina
Classification: Likely benign for Tibial muscular dystrophy. Last evaluated: 2018-01-13. Review status: criteria provided, single submitter. Criteria: ICSL Variant Classification Criteria 13 December 2019. Collection method: clinical testing. Allele origin: germline.
Comment: the same text as in the submission from Illumina Laboratory Services, Illumina above.

Biesecker Lab/Clinical Genomics Section, National Institutes of Health
Classification: Uncertain significance. Last evaluated: 2013-06-24. Review status: criteria provided, single submitter. Criteria: Ng et al. (Circ Cardiovasc Genet. 2013). Collection method: research. Allele origin: unknown. Observed: 1 variant allele. Study: ClinSeq.
Comment: The study set was not selected for affection status in relation to any cancer. Pathogenicity categories were based on literature curation. See Pubmed ID:23861362 for details.

Medical sequencing

Laboratory for Molecular Medicine, Mass General Brigham Personalized Medicine
Classification: Uncertain significance. Last evaluated: 2012-05-11. Review status: criteria provided, single submitter. Criteria: LMM Criteria. Collection method: clinical testing. Allele origin: germline. Observed: 2 variant alleles.
Comment: This variant has also been identified in 1/6672 Europea n American chromosomes from a broad population by the NHBLI Exome Sequencing Pro ject. Computational analyses (biochemical ami no acid properties, conservation, AlignGVGD, PolyPhen2, and SIFT) do not provide strong support for or against an impact to the protein. Additional information is needed to fully assess the clinical significance of the Asp22990Val variant.

PreventionGenetics, part of Exact Sciences
Classification: Likely benign for TTN-related condition. Last evaluated: 2021-01-18. Review status: no assertion criteria provided. Collection method: clinical testing. Allele origin: germline. Not counted in ClinVar's aggregate classification.
Comment: This variant is classified as likely benign based on ACMG/AMP sequence variant interpretation guidelines (Richards et al. 2015 PMID: 25741868, with internal and published modifications).

NM_001267550.2(TTN):c.76673A>T (p.Asp25558Val)

Genes: TTN (titin; minus strand), TTN-AS1 (TTN antisense RNA 1; plus strand). Cytogenetic location: 2q31.2.
Variant type: single nucleotide variant.
Coding change: c.76673A>T on transcript NM_001267550.2 (MANE Select); coding-DNA position 76673, A replaced by T.
Protein change: p.Asp25558Val; replaces aspartic acid 25558 with valine.
Molecular consequence: missense variant.
Genome position (GRCh38, 1-based): chr2:178,569,459, T>A on the plus strand (A>T on the coding strand, the complement: TTN is on the minus strand). VCF-style: chr2-178569459-T-A. GRCh37 (hg19) VCF-style: chr2-179434186-T-A.
Other names: c.71750A>T, p.Asp23917Val (NM_001256850.1); c.49478A>T, p.Asp16493Val (NM_003319.4); c.49853A>T, p.Asp16618Val (NM_133432.3); c.50054A>T, p.Asp16685Val (NM_133437.4); c.68969A>T, p.Asp22990Val (NM_133378.4); short protein forms D25558V, D22990V, D16493V, D16618V, D16685V, D23917V.
Identifiers: ClinVar variation 47348 (VCV000047348.29), dbSNP rs201095164, ClinGen allele CA140756.